The following is an entry in ClinVar:

NM_003172.4(SURF1):c.837T>G (p.Tyr279Ter)

Gene: SURF1 (SURF1 cytochrome c oxidase assembly factor; minus strand). Cytogenetic location: 9q34.2.
Variant type: single nucleotide variant.
Coding change: c.837T>G on transcript NM_003172.4 (MANE Select); coding-DNA position 837, T replaced by G.
Protein change: p.Tyr279Ter; replaces tyrosine 279 with a stop codon.
Molecular consequence: nonsense.
Genome position (GRCh38, 1-based): chr9:133,351,979, A>C on the plus strand (T>G on the coding strand, the complement: SURF1 is on the minus strand). VCF-style: chr9-133351979-A-C. GRCh37 (hg19) VCF-style: chr9-136218834-A-C.
Other names: c.510T>G, p.Tyr170Ter (NM_001280787.1); short protein forms Y279*, Y170*.
Identifiers: ClinVar variation 3726129 (VCV003726129.2).
Genomic context (GRCh38, chr9:133,351,979, plus strand): 5'-ACCAGGTGTCCCACGTAGGAATTTCTTAAACCACAGGTAGGATGTAGCTGCAGAGAGTCC[A>C]TACCTAGGGGTTGAAAGCAAGCCAGCATTAGCAGGCTGCTAGGCTGAAGGGGAGGAAGCC-3'

ClinVar aggregate classification (germline): Pathogenic (1 of 4 stars; one submission).

Conditions:
Leigh syndrome (NULS). Also called: LEIGH SYNDROME, NUCLEAR; Leigh's syndrome; Leigh Disease; Subacute necrotizing encephalopathy; Necrotizing encephalopathy infantile subacute of Leigh; Leigh's necrotizing encephalopathy. Identifiers: Orphanet 506, MedGen C2931891, MONDO:0009723, OMIM 256000.

gnomAD v4.1: 1 of 1,613,908 alleles (0.000062%); highest among the groups gnomAD compares: Non-Finnish European, 0.000085%; no homozygotes.

Submission:

Labcorp Genetics (formerly Invitae), Labcorp
Classification: Pathogenic for Leigh syndrome. Last evaluated: 2024-11-26. Review status: criteria provided, single submitter. Criteria: Invitae Variant Classification Sherloc (09022015). Collection method: clinical testing. Allele origin: germline.
Comment: This sequence change creates a premature translational stop signal (p.Tyr279*) in the SURF1 gene. While this is not anticipated to result in nonsense mediated decay, it is expected to disrupt the last 22 amino acid(s) of the SURF1 protein. This variant is not present in population databases (gnomAD no frequency). This variant has not been reported in the literature in individuals affected with SURF1-related conditions. This variant disrupts a region of the SURF1 protein in which other variant(s) (p.Lys291*) have been determined to be pathogenic (PMID: 9837813, 25111564, 27756633). This suggests that this is a clinically significant region of the protein, and that variants that disrupt it are likely to be disease-causing. For these reasons, this variant has been classified as Pathogenic.

Literature cited by the submitters: PubMed 9837813; PubMed 25111564; PubMed 27756633.